The following is an entry in ClinVar:

ClinVar aggregate classification (germline): Uncertain significance. Review status: criteria provided, multiple submitters, no conflicts (2 of 4 stars). 2 submissions from 2 submitters: Uncertain significance (2). Last evaluated 2026-07-18.

Conditions:
Inborn genetic diseases. Identifiers: MedGen C0950123, MeSH D030342.

Submissions (2):

Ambry Genetics
Classification: Uncertain significance for Inborn genetic diseases. Last evaluated: 2026-07-18. Review status: criteria provided, single submitter. Criteria: Ambry Variant Classification Scheme 2023. Collection method: clinical testing. Allele origin: germline.
Comment: The p.D607G variant (also known as c.1820A>G), located in coding exon 16 of the KDM1A gene, results from an A to G substitution at nucleotide position 1820. The aspartic acid at codon 607 is replaced by glycine, an amino acid with similar properties. This amino acid position is conserved. In addition, this alteration is predicted to be deleterious by in silico analysis. Based on the available evidence, the clinical significance of this variant remains unclear.

GeneDx
Classification: Uncertain significance. Last evaluated: 2022-04-07. Review status: criteria provided, single submitter. Criteria: GeneDx Variant Classification Process June 2021. Collection method: clinical testing. Allele origin: germline. Affected: yes.
Comment: Not observed at significant frequency in large population cohorts (gnomAD); In silico analysis supports that this missense variant has a deleterious effect on protein structure/function; Has not been previously published as pathogenic or benign to our knowledge

NM_001009999.3(KDM1A):c.1820A>G (p.Asp607Gly)

Gene: KDM1A (lysine demethylase 1A; plus strand). Cytogenetic location: 1p36.12.
Variant type: single nucleotide variant.
Coding change: c.1820A>G on transcript NM_001009999.3 (MANE Select); coding-DNA position 1820, A replaced by G.
Protein change: p.Asp607Gly; replaces aspartic acid 607 with glycine.
Molecular consequence: missense variant.
Genome position (GRCh38, 1-based): chr1:23,077,313, A>G. VCF-style: chr1-23077313-A-G. GRCh37 (hg19) VCF-style: chr1-23403806-A-G.
Other names: c.1766A>G, p.Asp589Gly (NM_001363654.2); c.1826A>G, p.Asp609Gly (NM_001410762.1); c.1748A>G, p.Asp583Gly (NM_001410763.1, NM_015013.4); short protein forms D583G, D589G, D607G, D609G.
Identifiers: ClinVar variation 1711881 (VCV001711881.3), dbSNP rs2522780815, ClinGen allele CA338970285.